The following is an entry in ClinVar:

NC_000007.14:g.263208G>A

Variant type: single nucleotide variant.
Genome position: GRCh38 VCF-style: chr7-263208-G-A. GRCh37 (hg19) VCF-style: chr7-303174-G-A.
Identifiers: ClinVar variation 2657166 (VCV002657166.23), dbSNP rs747196884, ClinGen allele CA4109269.

ClinVar aggregate classification (germline): Likely benign (1 of 4 stars; one submission).

Submission:

CeGaT Center for Human Genetics Tuebingen
Classification: Likely benign. Last evaluated: 2026-04-01. Review status: criteria provided, single submitter. Criteria: CeGaT Center For Human Genetics Tuebingen Variant Classification Criteria Version 2. Collection method: clinical testing. Allele origin: germline. Affected: yes. Observed: 6 variant alleles.
Comment: AC187652.1: PM2:Supporting, BP4, BP7